The following is an entry in ClinVar:

ClinVar aggregate classification (germline): Conflicting classifications of pathogenicity. Review status: criteria provided, conflicting classifications (1 of 4 stars). 2 submissions from 2 submitters: Uncertain significance (1); Likely benign (1). Last evaluated 2024-07-24.

Conditions:
Rubinstein-Taybi syndrome due to EP300 haploinsufficiency. Also called: RUBINSTEIN-TAYBI SYNDROME 2; EP300-Related Rubinstein-Taybi Syndrome. Identifiers: Orphanet 353284, Orphanet 783, MedGen C3150941, MONDO:0013364, OMIM 613684.

Allele frequency attached by ClinVar (database versions not stated): gnomAD exomes below 0.00001 and 0.00001; gnomAD 0.00001; TOPMed 0.00001; ExAC 0.00002.
gnomAD v4.1: 8 of 1,613,876 alleles (0.0005%); highest among the groups gnomAD compares: Admixed American, 0.005%; no homozygotes.

Submissions (2):

Labcorp Genetics (formerly Invitae), Labcorp
Classification: Likely benign for Rubinstein-Taybi syndrome due to EP300 haploinsufficiency. Last evaluated: 2024-07-24. Review status: criteria provided, single submitter. Criteria: Invitae Variant Classification Sherloc (09022015). Collection method: clinical testing. Allele origin: germline.

GeneDx
Classification: Uncertain significance. Last evaluated: 2021-05-24. Review status: criteria provided, single submitter. Criteria: GeneDx Variant Classification Process June 2021. Collection method: clinical testing. Allele origin: germline. Affected: yes.
Comment: In silico analysis supports that this missense variant does not alter protein structure/function; Has not been previously published as pathogenic or benign to our knowledge

NM_001429.4(EP300):c.6518A>C (p.Asn2173Thr)

Gene: EP300 (EP300 lysine acetyltransferase; plus strand). Cytogenetic location: 22q13.2.
Variant type: single nucleotide variant.
Coding change: c.6518A>C on transcript NM_001429.4 (MANE Select); coding-DNA position 6518, A replaced by C.
Protein change: p.Asn2173Thr; replaces asparagine 2173 with threonine.
Molecular consequence: missense variant.
Genome position (GRCh38, 1-based): chr22:41,178,229, A>C. VCF-style: chr22-41178229-A-C. GRCh37 (hg19) VCF-style: chr22-41574233-A-C.
Other names: c.6440A>C, p.Asn2147Thr (NM_001362843.2); short protein forms N2147T, N2173T.
Identifiers: ClinVar variation 1326646 (VCV001326646.4), dbSNP rs1555912302, ClinGen allele CA10253873.